The following is an entry in ClinVar:

NM_014336.5(AIPL1):c.597dup (p.Lys200fs)

Gene: AIPL1 (AIP like 1 HSP90 co-chaperone; minus strand). Cytogenetic location: 17p13.2.
Variant type: Duplication.
Coding change: c.597dup on transcript NM_014336.5 (MANE Select); coding-DNA position 597, one base duplicated (C; older notation c.597dupC).
Protein change: p.Lys200fs; shifts the reading frame from lysine 200.
Molecular consequence: frameshift variant.
Genome position (GRCh38, 1-based): chr17:6,426,926, G duplicated on the plus strand (C on the coding strand, the reverse complement: AIPL1 is on the minus strand); the first of 2 consecutive G bases (chr17:6,426,926-6,426,927); duplicating either gives the same sequence. VCF-style (leftmost placement, unchanged base first): chr17-6426925-T-TG. GRCh37 (hg19) VCF-style: chr17-6330245-T-TG.
Other names: c.408dup, p.Lys137fs (NM_001033054.3); c.417dup, p.Lys140fs (NM_001033055.3); c.561dup, p.Lys188fs (NM_001285399.3); c.531dup, p.Lys178fs (NM_001285400.3); c.597dup, p.Lys200fs (NM_001285401.3); c.480dup, p.Lys161fs (NM_001285402.2); c.573dup, p.Lys192fs (NM_001285403.4); short protein forms K140fs, K192fs, K137fs, K161fs, K178fs, K200fs, K188fs.
Identifiers: ClinVar variation 916624 (VCV000916624.6), dbSNP rs1283508592, ClinGen allele CA774026545.

ClinVar aggregate classification (germline): Pathogenic. Review status: criteria provided, multiple submitters, no conflicts (2 of 4 stars). 3 submissions from 3 submitters: Pathogenic (2). 1 of the submissions does not count toward it. Last evaluated 2023-09-26.

Conditions:
Leber congenital amaurosis 4 (LCA4). Identifiers: MedGen C1858386, MONDO:0011458, OMIM 604393.

Submissions (3):

Labcorp Genetics (formerly Invitae), Labcorp
Classification: Pathogenic for Leber congenital amaurosis 4. Last evaluated: 2023-09-26. Review status: criteria provided, single submitter. Criteria: Invitae Variant Classification Sherloc (09022015). Collection method: clinical testing. Allele origin: germline.
Comment: For these reasons, this variant has been classified as Pathogenic. This variant disrupts a region of the AIPL1 protein in which other variant(s) (p.Trp278*) have been determined to be pathogenic (PMID: 10615133, 10873396, 15249368, 21474771, 22412862). This suggests that this is a clinically significant region of the protein, and that variants that disrupt it are likely to be disease-causing. ClinVar contains an entry for this variant (Variation ID: 916624). This variant has not been reported in the literature in individuals affected with AIPL1-related conditions. This variant is not present in population databases (gnomAD no frequency). This sequence change creates a premature translational stop signal (p.Lys200Glnfs*49) in the AIPL1 gene. While this is not anticipated to result in nonsense mediated decay, it is expected to disrupt the last 185 amino acid(s) of the AIPL1 protein.

DBGen Ocular Genomics
Classification: Pathogenic for Leber congenital amaurosis 4. Last evaluated: 2021-05-31. Review status: criteria provided, single submitter. Criteria: ACMG Guidelines, 2015. Collection method: clinical testing. Allele origin: germline. Affected: yes. Observed: 2 variant alleles.

Laboratory of Genetics in Ophthalmology, Institut Imagine
Classification: Pathogenic for Leber congenital amaurosis 4. Review status: no assertion criteria provided. Collection method: research. Allele origin: inherited. Affected: yes. Observed: 1 variant allele. Not counted in ClinVar's aggregate classification.

Literature cited by the submitters: PubMed 10615133 (cited by Labcorp Genetics (formerly Invitae), Labcorp); PubMed 10873396 (cited by Labcorp Genetics (formerly Invitae), Labcorp); PubMed 15249368 (cited by Labcorp Genetics (formerly Invitae), Labcorp); PubMed 21474771 (cited by Labcorp Genetics (formerly Invitae), Labcorp); PubMed 22412862 (cited by Labcorp Genetics (formerly Invitae), Labcorp).